The following is an entry in ClinVar:

NM_003900.5(SQSTM1):c.469A>G (p.Lys157Glu)

Gene: SQSTM1 (sequestosome 1; plus strand). Cytogenetic location: 5q35.3.
Variant type: single nucleotide variant.
Coding change: c.469A>G on transcript NM_003900.5 (MANE Select); coding-DNA position 469, A replaced by G.
Protein change: p.Lys157Glu; replaces lysine 157 with glutamic acid.
Molecular consequence: missense variant.
Genome position (GRCh38, 1-based): chr5:179,824,025, A>G. VCF-style: chr5-179824025-A-G. GRCh37 (hg19) VCF-style: chr5-179251025-A-G.
Other names: c.217A>G, p.Lys73Glu (NM_001142298.2, NM_001142299.2); short protein forms K157E, K73E.
Identifiers: ClinVar variation 4793464 (VCV004793464.1).
Genomic context (GRCh38, chr5:179,824,025, plus strand): 5'-GGAACCCGCTACAAGTGCAGCGTCTGCCCAGACTACGACTTGTGTAGCGTCTGCGAGGGA[A>G]AGGGCTTGCACCGGGGGCACACCAAGCTCGCATTCCCCAGCCCCTTCGGGCACCTGTCTG-3'
Protein context (NP_003891.1, residues 147-167): DYDLCSVCEG[Lys157Glu]GLHRGHTKLA

ClinVar aggregate classification (germline): Uncertain significance (1 of 4 stars; one submission).

Conditions:
Frontotemporal dementia and/or amyotrophic lateral sclerosis 1 (FTDALS1). Also called: C9orf72 Frontotemporal Dementia and/or Amyotrophic Lateral Sclerosis; Frontotemporal dementia with motor neuron disease 1. Identifiers: Orphanet 275872, MedGen C5779877, MONDO:0007105, OMIM 105550.
Paget disease of bone 2, early-onset (PDB2). Also called: Paget disease of bone 2. Identifiers: MedGen C4085251, MONDO:0011183, OMIM 602080.

Submission:

Labcorp Genetics (formerly Invitae), Labcorp
Classification: Uncertain significance for Paget disease of bone 2, early-onset; Frontotemporal dementia and/or amyotrophic lateral sclerosis 1. Last evaluated: 2025-09-23. Review status: criteria provided, single submitter. Criteria: Invitae Variant Classification Sherloc (09022015). Collection method: clinical testing. Allele origin: germline.
Comment: This sequence change replaces lysine, which is basic and polar, with glutamic acid, which is acidic and polar, at codon 157 of the SQSTM1 protein (p.Lys157Glu). This variant is not present in population databases (gnomAD no frequency). This variant has not been reported in the literature in individuals affected with SQSTM1-related conditions. Invitae Evidence Modeling of protein sequence and biophysical properties (such as structural, functional, and spatial information, amino acid conservation, physicochemical variation, residue mobility, and thermodynamic stability) indicates that this missense variant is expected to disrupt SQSTM1 protein function with a positive predictive value of 80%. In summary, the available evidence is currently insufficient to determine the role of this variant in disease. Therefore, it has been classified as a Variant of Uncertain Significance.